The following is an entry in ClinVar:

NM_003477.3(PDHX):c.858T>C (p.Val286=)

Gene: PDHX (pyruvate dehydrogenase complex component X; plus strand). Cytogenetic location: 11p13.
Variant type: single nucleotide variant.
Coding change: c.858T>C on transcript NM_003477.3 (MANE Select); coding-DNA position 858, T replaced by C.
Protein change: p.Val286=; no amino-acid change (valine 286 retained).
Molecular consequence: synonymous variant. On other transcripts: intron variant (1).
Genome position (GRCh38, 1-based): chr11:34,970,180, T>C. VCF-style: chr11-34970180-T-C. GRCh37 (hg19) VCF-style: chr11-34991727-T-C.
Other names: c.678T>C, p.Val226= (NM_001135024.2); c.343-14390T>C (NM_001166158.2).
Identifiers: ClinVar variation 304473 (VCV000304473.26), dbSNP rs497582, ClinGen allele CA5946027.

ClinVar aggregate classification (germline): Benign. Review status: criteria provided, multiple submitters, no conflicts (2 of 4 stars). 8 submissions from 8 submitters: Benign (5). 3 of the submissions do not count toward it. Last evaluated 2026-02-04.

Conditions:
Pyruvate dehydrogenase E3-binding protein deficiency (PDHXD). Also called: E3-Binding Protein (Component X) Deficiency; Lacticacidemia due to PDX1 deficiency; PYRUVATE HYDROGENASE E3-BINDING PROTEIN DEFICIENCY; LACTIC ACIDEMIA DUE TO DEFECT IN LIPOYL-CONTAINING COMPONENT X OF THE PYRUVATE DEHYDROGENASE COMPLEX. Identifiers: Orphanet 255182, MedGen C1855553, MONDO:0009503, OMIM 245349.

Allele frequency attached by ClinVar (database versions not stated): 1000 Genomes Project 30x 0.56262; 1000 Genomes Project 0.57049; TOPMed 0.58580; gnomAD 0.59662 and 0.59906; ESP Exome Variant Server 0.59723; ExAC 0.64381; gnomAD exomes 0.64643 and 0.68876.
gnomAD v4.1: 1,095,704 of 1,611,864 alleles (68%); highest among the groups gnomAD compares: East Asian, 73%; 377,852 homozygotes.

Submissions (8):

Labcorp Genetics (formerly Invitae), Labcorp
Classification: Benign. Last evaluated: 2026-02-04. Review status: criteria provided, single submitter. Criteria: Invitae Variant Classification Sherloc (09022015). Collection method: clinical testing. Allele origin: germline.

Blueprint Genetics
Classification: Benign. Last evaluated: 2024-11-27. Review status: criteria provided, single submitter. Criteria: ACMG Guidelines, 2015. Collection method: clinical testing. Allele origin: germline.

Illumina Laboratory Services, Illumina
Classification: Benign for Pyruvate dehydrogenase E3-binding protein deficiency. Last evaluated: 2018-01-13. Review status: criteria provided, single submitter. Criteria: ICSL Variant Classification Criteria 13 December 2019. Collection method: clinical testing. Allele origin: germline.
Comment: This variant was observed in the ICSL laboratory as part of a predisposition screen in an ostensibly healthy population. It had not been previously curated by ICSL or reported in the Human Gene Mutation Database (HGMD: prior to June 1st, 2018), and was therefore a candidate for classification through an automated scoring system. Utilizing variant allele frequency, disease prevalence and penetrance estimates, and inheritance mode, an automated score was calculated to assess if this variant is too frequent to cause the disease. Based on the score and internal cut-off values, a variant classified as benign is not then subjected to further curation. The score for this variant resulted in a classification of benign for this disease.

GeneDx
Classification: Benign. Last evaluated: 2015-03-03. Review status: criteria provided, single submitter. Criteria: GeneDx Variant Classification Process June 2021. Collection method: clinical testing. Allele origin: germline. Affected: yes.

Breakthrough Genomics
Classification: Benign. Review status: criteria provided, single submitter. Criteria: ACMG Guidelines, 2015. Collection method: not provided. Allele origin: germline. Inheritance: Autosomal recessive inheritance. Affected: yes.

Mayo Clinic Laboratories, Mayo Clinic
Classification: Benign. Last evaluated: 2016-02-19. Review status: no assertion criteria provided. Collection method: clinical testing. Allele origin: unknown. Not counted in ClinVar's aggregate classification.

Diagnostic Laboratory, Department of Genetics, University Medical Center Groningen
Classification: Benign. Review status: no assertion criteria provided. Collection method: clinical testing. Allele origin: germline. Affected: yes. Study: VKGL Data-share Consensus. Not counted in ClinVar's aggregate classification.

Joint Genome Diagnostic Labs from Nijmegen and Maastricht, Radboudumc and MUMC+
Classification: Benign. Review status: no assertion criteria provided. Collection method: clinical testing. Allele origin: germline. Affected: yes. Study: VKGL Data-share Consensus. Not counted in ClinVar's aggregate classification.